The following is an entry in ClinVar:

NM_002180.3(IGHMBP2):c.659A>G (p.Lys220Arg)

Gene: IGHMBP2 (immunoglobulin mu DNA binding protein 2; plus strand). Cytogenetic location: 11q13.3.
Variant type: single nucleotide variant.
Coding change: c.659A>G on transcript NM_002180.3 (MANE Select); coding-DNA position 659, A replaced by G.
Protein change: p.Lys220Arg; replaces lysine 220 with arginine.
Molecular consequence: missense variant.
Genome position (GRCh38, 1-based): chr11:68,911,551, A>G. VCF-style: chr11-68911551-A-G. GRCh37 (hg19) VCF-style: chr11-68679019-A-G.
Other names: short protein forms K220R.
Identifiers: ClinVar variation 466597 (VCV000466597.9), dbSNP rs1555243301, ClinGen allele CA381643931.

ClinVar aggregate classification (germline): Uncertain significance (1 of 4 stars; one submission).

Conditions:
Charcot-Marie-Tooth disease axonal type 2S. Also called: CHARCOT-MARIE-TOOTH NEUROPATHY, TYPE 2S; CHARCOT-MARIE-TOOTH DISEASE, AXONAL, AUTOSOMAL RECESSIVE, TYPE 2S. Identifiers: Orphanet 443073, MedGen C4015349, MONDO:0014511, OMIM 616155.
Autosomal recessive distal spinal muscular atrophy 1. Also called: NEURONOPATHY, DISTAL HEREDITARY MOTOR, HARDING TYPE VI; NEUROPATHY, DISTAL HEREDITARY MOTOR, AUTOSOMAL RECESSIVE 1; HMN VI; NEURONOPATHY, SEVERE INFANTILE AXONAL, WITH RESPIRATORY FAILURE; SEVERE INFANTILE AXONAL NEUROPATHY WITH RESPIRATORY FAILURE; SPINAL MUSCULAR ATROPHY, DIAPHRAGMATIC. Identifiers: Orphanet 98920, MedGen C1858517, MONDO:0011436, OMIM 604320.

Allele frequency attached by ClinVar (database versions not stated): gnomAD exomes below 0.00001.

Submission:

Labcorp Genetics (formerly Invitae), Labcorp
Classification: Uncertain significance for Autosomal recessive distal spinal muscular atrophy 1; Charcot-Marie-Tooth disease axonal type 2S. Last evaluated: 2020-02-11. Review status: criteria provided, single submitter. Criteria: Invitae Variant Classification Sherloc (09022015). Collection method: clinical testing. Allele origin: germline.
Comment: This sequence change replaces lysine with arginine at codon 220 of the IGHMBP2 protein (p.Lys220Arg). The lysine residue is highly conserved and there is a small physicochemical difference between lysine and arginine. This variant is not present in population databases (ExAC no frequency). This variant has not been reported in the literature in individuals with IGHMBP2-related conditions. ClinVar contains an entry for this variant (Variation ID: 466597). Algorithms developed to predict the effect of missense changes on protein structure and function are either unavailable or do not agree on the potential impact of this missense change (SIFT: "Deleterious"; PolyPhen-2: "Possibly Damaging"; Align-GVGD: "Class C0"). In summary, the available evidence is currently insufficient to determine the role of this variant in disease. Therefore, it has been classified as a Variant of Uncertain Significance.